The following is an entry in ClinVar:

ClinVar aggregate classification (germline): Conflicting classifications of pathogenicity. Review status: criteria provided, conflicting classifications (1 of 4 stars). 2 submissions from 2 submitters: Uncertain significance (1); Likely benign (1). Last evaluated 2024-11-18.

Conditions:
Arrhythmogenic right ventricular dysplasia 9 (ARVD9). Also called: Arrhythmogenic Right Ventricular Dysplasia/Cardiomyopathy 9; ARRHYTHMOGENIC RIGHT VENTRICULAR DYSPLASIA, FAMILIAL, 9. Identifiers: MedGen C1836906, MONDO:0012180, OMIM 609040.
Cardiomyopathy (CMYO). Also called: Cardiomyopathies. Identifiers: Orphanet 167848, MedGen C0878544, MONDO:0004994, HP:0001638. Inheritance: Various modes of inheritance.

Allele frequency attached by ClinVar (database versions not stated): gnomAD exomes below 0.00001; TOPMed 0.00001.
gnomAD v4.1: 2 of 1,613,270 alleles (0.00012%); highest among the groups gnomAD compares: African/African-American, 0.0027%; no homozygotes.

Submissions (2):

Labcorp Genetics (formerly Invitae), Labcorp
Classification: Uncertain significance for Arrhythmogenic right ventricular dysplasia 9. Last evaluated: 2024-11-18. Review status: criteria provided, single submitter. Criteria: Invitae Variant Classification Sherloc (09022015). Collection method: clinical testing. Allele origin: germline.
Comment: This sequence change falls in intron 9 of the PKP2 gene. It does not directly change the encoded amino acid sequence of the PKP2 protein. It affects a nucleotide within the consensus splice site. This variant is not present in population databases (gnomAD no frequency). This variant has not been reported in the literature in individuals affected with PKP2-related conditions. ClinVar contains an entry for this variant (Variation ID: 920019). Variants that disrupt the consensus splice site are a relatively common cause of aberrant splicing (PMID: 17576681, 9536098). Algorithms developed to predict the effect of sequence changes on RNA splicing suggest that this variant is not likely to affect RNA splicing. In summary, the available evidence is currently insufficient to determine the role of this variant in disease. Therefore, it has been classified as a Variant of Uncertain Significance.

Color Diagnostics, LLC DBA Color Health
Classification: Likely benign for Cardiomyopathy. Last evaluated: 2019-12-16. Review status: criteria provided, single submitter. Criteria: ACMG Guidelines, 2015. Collection method: clinical testing. Allele origin: germline.

Literature cited by the submitters: PubMed 17576681 (cited by Labcorp Genetics (formerly Invitae), Labcorp); PubMed 9536098 (cited by Labcorp Genetics (formerly Invitae), Labcorp).

NM_001005242.3(PKP2):c.1839+6T>C

Gene: PKP2 (plakophilin 2; minus strand). Cytogenetic location: 12p11.21.
Variant type: single nucleotide variant.
Coding change: c.1839+6T>C on transcript NM_001005242.3 (MANE Select); 6 bases into the intron after coding-DNA position 1839, T replaced by C.
Molecular consequence: intron variant.
Genome position (GRCh38, 1-based): chr12:32,822,461, A>G on the plus strand (T>C on the coding strand, the complement: PKP2 is on the minus strand). VCF-style: chr12-32822461-A-G. GRCh37 (hg19) VCF-style: chr12-32975395-A-G.
Other names: c.1971+6T>C (NM_004572.4).
Identifiers: ClinVar variation 920019 (VCV000920019.6), dbSNP rs985611212, ClinGen allele CA235238650.
Genomic context (GRCh38, chr12:32,822,461, plus strand): 5'-ATACACAAACACACACTCTCTCTCATTCTCTCCCTTTCTCATTCTTTCAAAAACTTCCCA[A>G]TATACCTCTTTTACTTTCCTGCTTCGACTGCCAAAACATCCAATACTTTTGTTGTTGTCA-3'